The following is an entry in ClinVar:

NM_000092.5(COL4A4):c.2203G>A (p.Glu735Lys)

Gene: COL4A4 (collagen type IV alpha 4 chain; minus strand). Cytogenetic location: 2q36.3.
Variant type: single nucleotide variant.
Coding change: c.2203G>A on transcript NM_000092.5 (MANE Select); coding-DNA position 2203, G replaced by A.
Protein change: p.Glu735Lys; replaces glutamic acid 735 with lysine.
Molecular consequence: missense variant.
Genome position (GRCh38, 1-based): chr2:227,059,585, C>T on the plus strand (G>A on the coding strand, the complement: COL4A4 is on the minus strand). VCF-style: chr2-227059585-C-T. GRCh37 (hg19) VCF-style: chr2-227924301-C-T.
Other names: short protein forms E735K.
Identifiers: ClinVar variation 3622836 (VCV003622836.3), dbSNP rs267599229.

ClinVar aggregate classification (germline): Uncertain significance. Review status: criteria provided, multiple submitters, no conflicts (2 of 4 stars). 2 submissions from 2 submitters: Uncertain significance (2). Last evaluated 2026-08-31.

Conditions:
Inborn genetic diseases. Identifiers: MedGen C0950123, MeSH D030342.

Submissions (2):

Ambry Genetics
Classification: Uncertain significance for Inborn genetic diseases. Last evaluated: 2026-08-31. Review status: criteria provided, single submitter. Criteria: Ambry Variant Classification Scheme 2023. Collection method: clinical testing. Allele origin: germline.

Labcorp Genetics (formerly Invitae), Labcorp
Classification: Uncertain significance. Last evaluated: 2025-01-12. Review status: criteria provided, single submitter. Criteria: Invitae Variant Classification Sherloc (09022015). Collection method: clinical testing. Allele origin: germline.
Comment: This sequence change replaces glutamic acid, which is acidic and polar, with lysine, which is basic and polar, at codon 735 of the COL4A4 protein (p.Glu735Lys). This variant is not present in population databases (gnomAD no frequency). This variant has not been reported in the literature in individuals affected with COL4A4-related conditions. Invitae Evidence Modeling of protein sequence and biophysical properties (such as structural, functional, and spatial information, amino acid conservation, physicochemical variation, residue mobility, and thermodynamic stability) indicates that this missense variant is not expected to disrupt COL4A4 protein function with a negative predictive value of 95%. Algorithms developed to predict the effect of sequence changes on RNA splicing suggest that this variant may create or strengthen a splice site. In summary, the available evidence is currently insufficient to determine the role of this variant in disease. Therefore, it has been classified as a Variant of Uncertain Significance.